The following is an entry in ClinVar:

NM_000059.4(BRCA2):c.750G>A (p.Val250=)

Gene: BRCA2 (BRCA2 DNA repair associated; plus strand). Cytogenetic location: 13q13.1.
Variant type: single nucleotide variant.
Coding change: c.750G>A on transcript NM_000059.4 (MANE Select); coding-DNA position 750, G replaced by A.
Protein change: p.Val250=; no amino-acid change (valine 250 retained).
Molecular consequence: synonymous variant.
Genome position (GRCh38, 1-based): chr13:32,330,987, G>A. VCF-style: chr13-32330987-G-A. GRCh37 (hg19) VCF-style: chr13-32905124-G-A.
Other names: p.V250V:GTG>GTA; V250V; 978G>A.
Identifiers: ClinVar variation 135814 (VCV000135814.48), dbSNP rs143214959, ClinGen allele CA025127.

ClinVar aggregate classification (germline): Likely benign. Review status: reviewed by expert panel (3 of 4 stars). 21 submissions from 21 submitters: Likely benign (1). 20 of the submissions do not count toward it. Last evaluated 2017-06-29.

Conditions:
BRCA2-related disorder. Also called: BRCA2-related condition; BRCA2-related disorders. Identifiers: MedGen CN239275.
Familial cancer of breast. Also called: Hereditary breast cancer; hereditary breast carcinoma; BREAST CANCER, FAMILIAL. Identifiers: Orphanet 227535, MedGen C0346153, MONDO:0016419, OMIM 114480. Disease mechanism: loss of function.
Breast-ovarian cancer, familial, susceptibility to, 2 (BROVCA2). Also called: BRCA2 Hereditary Breast and Ovarian Cancer. Identifiers: Orphanet 145, MedGen C2675520, MONDO:0012933, OMIM 612555. Disease mechanism: loss of function.
Hereditary cancer-predisposing syndrome. Also called: Tumor predisposition; Hereditary neoplastic syndrome; Hereditary Cancer Syndrome; Neoplastic Syndromes, Hereditary. Identifiers: Orphanet 140162, MedGen C0027672, MeSH D009386, MONDO:0015356.
Hereditary breast ovarian cancer syndrome. Also called: Hereditary breast and ovarian cancer; Hereditary breast and/or ovarian cancer syndrome; BRCA1- and BRCA2-Associated Hereditary Breast and Ovarian Cancer; Hereditary breast and ovarian cancer syndrome (HBOC); Hereditary breast and ovarian cancer syndrome; Breast and ovarian cancer. Identifiers: Orphanet 145, MedGen C0677776, MeSH D061325, MONDO:0003582. Disease mechanism: loss of function.

Allele frequency attached by ClinVar (database versions not stated): gnomAD 0.00003 and 0.00005; gnomAD exomes 0.00004; ExAC 0.00005; TOPMed 0.00007; ESP Exome Variant Server 0.00008.
gnomAD v4.1: 134 of 1,613,406 alleles (0.0083%); highest among the groups gnomAD compares: Non-Finnish European, 0.011%; no homozygotes.

Submissions (21):

Evidence-based Network for the Interpretation of Germline Mutant Alleles (ENIGMA)
Classification: Likely benign for Breast-ovarian cancer, familial, susceptibility to, 2. Last evaluated: 2017-06-29. Review status: reviewed by expert panel. Criteria: ENIGMA BRCA1/2 Classification Criteria (2017-06-29). Collection method: curation. Allele origin: germline.
Comment: Synonymous substitution variant, with low bioinformatic likelihood to result in a splicing aberration (Splicing prior probability 0.02).

Labcorp Genetics (formerly Invitae), Labcorp
Classification: Benign for Hereditary breast ovarian cancer syndrome. Last evaluated: 2026-01-26. Review status: criteria provided, single submitter. Criteria: Invitae Variant Classification Sherloc (09022015). Collection method: clinical testing. Allele origin: germline. Not counted in ClinVar's aggregate classification.

Quest Diagnostics Nichols Institute San Juan Capistrano
Classification: Likely benign. Last evaluated: 2025-11-04. Review status: criteria provided, single submitter. Criteria: Quest Diagnostics criteria. Collection method: clinical testing. Allele origin: unknown. Not counted in ClinVar's aggregate classification.

CeGaT Center for Human Genetics Tuebingen
Classification: Likely benign. Last evaluated: 2025-08-01. Review status: criteria provided, single submitter. Criteria: CeGaT Center For Human Genetics Tuebingen Variant Classification Criteria Version 2. Collection method: clinical testing. Allele origin: germline. Affected: yes. Observed: 1 variant allele. Not counted in ClinVar's aggregate classification.
Comment: BRCA2: BP4, BP7

Institute for Biomarker Research, Medical Diagnostic Laboratories, L.L.C.
Classification: Likely benign for Hereditary breast ovarian cancer syndrome. Last evaluated: 2025-07-10. Review status: criteria provided, single submitter. Criteria: ACMG Guidelines, 2015. Collection method: clinical testing. Allele origin: germline. Not counted in ClinVar's aggregate classification.
Comment: The synonymous variant NM_000059.4(BRCA2):c.750G>A (p.Val250=) has been reported to ClinVar as Likely benign with a status of (3 stars) reviewed by expert panel (Variation ID 135814 as of 2025-07-03). The p.Val250= variant is novel (not in any individuals) in 1kG. The p.Val250= variant is not predicted to disrupt an existing splice site. The p.Val250= variant results in a substitution of a base that is not predicted conserved by GERP++ and PhyloP. For these reasons, this variant has been classified as Likely Benign.

Center for Genomic Medicine, Rigshospitalet, Copenhagen University Hospital
Classification: Likely benign. Last evaluated: 2025-03-04. Review status: criteria provided, single submitter. Criteria: ACMG Guidelines, 2015. Collection method: clinical testing. Allele origin: germline. Not counted in ClinVar's aggregate classification.

ARUP Laboratories, Molecular Genetics and Genomics, ARUP Laboratories
Classification: Likely benign. Last evaluated: 2024-11-11. Review status: criteria provided, single submitter. Criteria: ARUP Molecular Germline Variant Investigation Process 2024. Collection method: clinical testing. Allele origin: germline. Not counted in ClinVar's aggregate classification.

Blueprint Genetics
Classification: Likely benign. Last evaluated: 2024-07-02. Review status: criteria provided, single submitter. Criteria: ACMG Guidelines, 2015. Collection method: clinical testing. Allele origin: germline. Not counted in ClinVar's aggregate classification.

Women's Health and Genetics/Laboratory Corporation of America, LabCorp
Classification: Likely benign. Last evaluated: 2024-03-23. Review status: criteria provided, single submitter. Criteria: LabCorp Variant Classification Summary - May 2015. Collection method: clinical testing. Allele origin: germline. Not counted in ClinVar's aggregate classification.

All of Us Research Program, National Institutes of Health
Classification: Benign for Breast-ovarian cancer, familial, susceptibility to, 2. Last evaluated: 2023-11-20. Review status: criteria provided, single submitter. Criteria: ACMG Guidelines, 2015. Collection method: clinical testing. Allele origin: germline. Inheritance: Autosomal dominant inheritance. Observed: 12 variant alleles, 12 heterozygotes. Not counted in ClinVar's aggregate classification.
Comment: This study involves interpretation of variants in research participants for the purpose of population health screening. Participant phenotype was not available at the time of variant classification. Additional details can be found in publication PMID: 35346344, PMCID: PMC8962531

Department of Pathology and Laboratory Medicine, Sinai Health System
Classification: Likely benign for Familial cancer of breast; Breast-ovarian cancer, familial, susceptibility to, 2. Last evaluated: 2022-02-18. Review status: criteria provided, single submitter. Criteria: ACMG Guidelines, 2015. Collection method: clinical testing. Allele origin: germline. Affected: yes. Not counted in ClinVar's aggregate classification.

Sema4
Classification: Likely benign for Hereditary cancer-predisposing syndrome. Last evaluated: 2020-09-16. Review status: criteria provided, single submitter. Criteria: Sema4 Curation Guidelines. Collection method: curation. Allele origin: germline. Not counted in ClinVar's aggregate classification.

Genetics and Molecular Pathology, SA Pathology
Classification: Likely benign for Breast-ovarian cancer, familial, susceptibility to, 2. Last evaluated: 2020-05-18. Review status: criteria provided, single submitter. Criteria: ACMG Guidelines, 2015. Collection method: clinical testing. Allele origin: germline. Affected: yes. Not counted in ClinVar's aggregate classification.
Comment: The BRCA2 c.750G>A variant is classified as Likely Benign (BP2, BP6)

Color Diagnostics, LLC DBA Color Health
Classification: Benign for Hereditary cancer-predisposing syndrome. Last evaluated: 2016-06-27. Review status: criteria provided, single submitter. Criteria: ACMG Guidelines, 2015. Collection method: clinical testing. Allele origin: germline. Not counted in ClinVar's aggregate classification.

Molecular Genetics Laboratory, University of Michigan
Classification: Likely benign for Breast-ovarian cancer, familial, susceptibility to, 2. Last evaluated: 2016-04-21. Review status: criteria provided, single submitter. Criteria: ACMG Guidelines, 2015. Collection method: clinical testing. Allele origin: germline. Affected: yes. Not counted in ClinVar's aggregate classification.

Ambry Genetics
Classification: Likely benign for Hereditary cancer-predisposing syndrome. Last evaluated: 2014-11-06. Review status: criteria provided, single submitter. Criteria: Ambry Variant Classification Scheme 2023. Collection method: clinical testing. Allele origin: germline. Not counted in ClinVar's aggregate classification.

GeneDx
Classification: Benign. Last evaluated: 2013-09-03. Review status: criteria provided, single submitter. Criteria: GeneDx Variant Classification (06012015). Collection method: clinical testing. Allele origin: germline. Affected: yes. Not counted in ClinVar's aggregate classification.
Comment: This variant is considered likely benign or benign based on one or more of the following criteria: it is a conservative change, it occurs at a poorly conserved position in the protein, it is predicted to be benign by multiple in silico algorithms, and/or has population frequency not consistent with disease.

PreventionGenetics, part of Exact Sciences
Classification: Likely benign for BRCA2-related condition. Last evaluated: 2020-03-09. Review status: no assertion criteria provided. Collection method: clinical testing. Allele origin: germline. Not counted in ClinVar's aggregate classification.
Comment: This variant is classified as likely benign based on ACMG/AMP sequence variant interpretation guidelines (Richards et al. 2015 PMID: 25741868, with internal and published modifications).

King Laboratory, University of Washington
Classification: Benign. Last evaluated: 2019-09-01. Review status: no assertion criteria provided. Collection method: research. Allele origin: germline. Affected: yes. Not counted in ClinVar's aggregate classification.
Comment: Transcript analysis by cBROCA

Department of Medical Genetics, University Hospital of North Norway
Classification: Likely benign for Breast-ovarian cancer, familial, susceptibility to, 2. Last evaluated: 2016-05-01. Review status: no assertion criteria provided. Collection method: clinical testing. Allele origin: germline. Affected: yes. Observed: 2 variant alleles. Not counted in ClinVar's aggregate classification.

Sharing Clinical Reports Project (SCRP)
Classification: Benign for Breast-ovarian cancer, familial 2. Last evaluated: 2011-03-01. Review status: no assertion criteria provided. Collection method: clinical testing. Allele origin: germline. Not counted in ClinVar's aggregate classification.

Literature cited by the submitters: PubMed 27495310 (cited by 4 submitters); PubMed 31843900 (cited by Quest Diagnostics Nichols Institute San Juan Capistrano and King Laboratory, University of Washington).